The following is an entry in ClinVar:

NM_199242.3(UNC13D):c.3268C>T (p.Pro1090Ser)

Gene: UNC13D (unc-13 homolog D; minus strand). Cytogenetic location: 17q25.1.
Variant type: single nucleotide variant.
Coding change: c.3268C>T on transcript NM_199242.3 (MANE Select); coding-DNA position 3268, C replaced by T.
Protein change: p.Pro1090Ser; replaces proline 1090 with serine.
Molecular consequence: missense variant.
Genome position (GRCh38, 1-based): chr17:75,827,970, G>A on the plus strand (C>T on the coding strand, the complement: UNC13D is on the minus strand). VCF-style: chr17-75827970-G-A. GRCh37 (hg19) VCF-style: chr17-73824051-G-A.
Other names: c.3268C>T (NM_199242.2); short protein forms P1090S.
Identifiers: ClinVar variation 1419454 (VCV001419454.6), dbSNP rs1332768685, ClinGen allele CA401073412.
Genomic context (GRCh38, chr17:75,827,970, plus strand): 5'-GGAAAGCCCTTGCAAGTCCCCACCGGGGACCCAGCCCCACCGCAAACCTCTACGGCTACG[G>A]TGCCGGCCGCAAGGCATGCTGGGAGGCCTGCTTGGCCCGGTGCCGCCGCAGCCTCACAAA-3'
Protein context (NP_954712.1, residues 1080-1090): QASQHALRPA[Pro1090Ser]

ClinVar aggregate classification (germline): Uncertain significance. Review status: criteria provided, multiple submitters, no conflicts (2 of 4 stars). 2 submissions from 2 submitters: Uncertain significance (2). Last evaluated 2023-11-28.

Conditions:
Inborn genetic diseases. Identifiers: MedGen C0950123, MeSH D030342.
Familial hemophagocytic lymphohistiocytosis 3 (FHL3). Also called: UNC13D-Related Familial Hemophagocytic Lymphohistiocytosis (UNC13D-fHLH). Identifiers: Orphanet 540, MedGen C1837174, MONDO:0012146, OMIM 608898.

Allele frequency attached by ClinVar (database versions not stated): gnomAD exomes below 0.00001; TOPMed 0.00001.
gnomAD v4.1: 4 of 1,607,450 alleles (0.00025%); highest among the groups gnomAD compares: East Asian, 0.0022%; no homozygotes.

Submissions (2):

Labcorp Genetics (formerly Invitae), Labcorp
Classification: Uncertain significance for Familial hemophagocytic lymphohistiocytosis 3. Last evaluated: 2023-11-28. Review status: criteria provided, single submitter. Criteria: Invitae Variant Classification Sherloc (09022015). Collection method: clinical testing. Allele origin: germline.
Comment: This sequence change replaces proline, which is neutral and non-polar, with serine, which is neutral and polar, at codon 1090 of the UNC13D protein (p.Pro1090Ser). The frequency data for this variant in the population databases is considered unreliable, as metrics indicate poor data quality at this position in the gnomAD database. This variant has not been reported in the literature in individuals affected with UNC13D-related conditions. ClinVar contains an entry for this variant (Variation ID: 1419454). An algorithm developed to predict the effect of missense changes on protein structure and function (PolyPhen-2) suggests that this variant is likely to be disruptive. In summary, the available evidence is currently insufficient to determine the role of this variant in disease. Therefore, it has been classified as a Variant of Uncertain Significance.

Ambry Genetics
Classification: Uncertain significance for Inborn genetic diseases. Last evaluated: 2023-07-14. Review status: criteria provided, single submitter. Criteria: Ambry Variant Classification Scheme 2023. Collection method: clinical testing. Allele origin: germline.